The following is an entry in ClinVar:

NM_021629.4(GNB4):c.74G>A (p.Cys25Tyr)

Gene: GNB4 (G protein subunit beta 4; minus strand). Cytogenetic location: 3q26.33.
Variant type: single nucleotide variant.
Coding change: c.74G>A on transcript NM_021629.4 (MANE Select); coding-DNA position 74, G replaced by A.
Protein change: p.Cys25Tyr; replaces cysteine 25 with tyrosine.
Molecular consequence: missense variant.
Genome position (GRCh38, 1-based): chr3:179,420,911, C>T on the plus strand (G>A on the coding strand, the complement: GNB4 is on the minus strand). VCF-style: chr3-179420911-C-T. GRCh37 (hg19) VCF-style: chr3-179138699-C-T.
Other names: short protein forms C25Y.
Identifiers: ClinVar variation 2177322 (VCV002177322.4), dbSNP rs780747783, ClinGen allele CA88750763.

ClinVar aggregate classification (germline): Uncertain significance (1 of 4 stars; one submission).

Conditions:
Charcot-Marie-Tooth disease dominant intermediate F. Identifiers: Orphanet 352670, MedGen C4749463, MONDO:0014074, OMIM 615185.

gnomAD v4.1: 8 of 1,590,466 alleles (0.0005%); highest among the groups gnomAD compares: Non-Finnish European, 0.00069%; no homozygotes.

Submission:

Labcorp Genetics (formerly Invitae), Labcorp
Classification: Uncertain significance for Charcot-Marie-Tooth disease dominant intermediate F. Last evaluated: 2022-03-18. Review status: criteria provided, single submitter. Criteria: Invitae Variant Classification Sherloc (09022015). Collection method: clinical testing. Allele origin: germline.
Comment: This sequence change replaces cysteine, which is neutral and slightly polar, with tyrosine, which is neutral and polar, at codon 25 of the GNB4 protein (p.Cys25Tyr). This variant is not present in population databases (gnomAD no frequency). This variant has not been reported in the literature in individuals affected with GNB4-related conditions. Algorithms developed to predict the effect of missense changes on protein structure and function are either unavailable or do not agree on the potential impact of this missense change (SIFT: "Deleterious"; PolyPhen-2: "Benign"; Align-GVGD: "Class C0"). In summary, the available evidence is currently insufficient to determine the role of this variant in disease. Therefore, it has been classified as a Variant of Uncertain Significance.